The following is an entry in ClinVar:

NM_001159773.2(CANT1):c.836G>A (p.Gly279Asp)

Gene: CANT1 (calcium activated nucleotidase 1; minus strand). Cytogenetic location: 17q25.3.
Variant type: single nucleotide variant.
Coding change: c.836G>A on transcript NM_001159773.2 (MANE Select); coding-DNA position 836, G replaced by A.
Protein change: p.Gly279Asp; replaces glycine 279 with aspartic acid.
Molecular consequence: missense variant.
Genome position (GRCh38, 1-based): chr17:78,993,920, C>T on the plus strand (G>A on the coding strand, the complement: CANT1 is on the minus strand). VCF-style: chr17-78993920-C-T. GRCh37 (hg19) VCF-style: chr17-76990002-C-T.
Other names: c.836G>A, p.Gly279Asp (NM_001159772.2, NM_138793.4); short protein forms G279D.
Identifiers: ClinVar variation 3068315 (VCV003068315.3), dbSNP rs1233347902, ClinGen allele CA401306960.
Genomic context (GRCh38, chr17:78,993,920, plus strand): 5'-GGCAGGAAGAACCAGCGCTGCAGCGTGTCACTCCAGCAGGCAGACTCATGGATGAGGTAG[C>T]CTGGGAACCGGGTGACCGCGGGTCAGACACGCATGCGGCCTGGTGTGCCCAGCCCCACAC-3'
Protein context (NP_001153245.1, residues 269-289): LRAAAGIQPP[Gly279Asp]YLIHESACWS

ClinVar aggregate classification (germline): Conflicting classifications of pathogenicity. Review status: criteria provided, conflicting classifications (1 of 4 stars). 2 submissions from 2 submitters: Likely pathogenic (1); Uncertain significance (1).

Conditions:
Desbuquois dysplasia 1 (DBQD1). Also called: MICROMELIC DWARFISM WITH VERTEBRAL AND METAPHYSEAL ABNORMALITIES AND ADVANCED CARPOTARSAL OSSIFICATION; DESBUQUOIS DYSPLASIA 1, KIM VARIANT. Identifiers: Orphanet 1425, MedGen C4012146, MONDO:0009629, OMIM 251450.
Epiphyseal dysplasia, multiple, 7. Identifiers: Orphanet 647676, MedGen C4540251, MONDO:0054680, OMIM 617719.

Submissions (2):

Juno Genomics, Hangzhou Juno Genomics, Inc
Classification: Uncertain significance for Desbuquois dysplasia 1; Epiphyseal dysplasia, multiple, 7. Review status: criteria provided, single submitter. Criteria: ACMG Guidelines, 2015. Collection method: clinical testing. Allele origin: germline.
Comment: Absent from controls (or at extremely low frequency if recessive) in Genome Aggregation Database.;Multiple lines of computational evidence support a deleterious effect on the gene or gene product.

Lifecell International Pvt. Ltd
Classification: Likely pathogenic for Desbuquois dysplasia 1. Review status: criteria provided, single submitter. Criteria: ACMG Guidelines, 2015. Collection method: clinical testing. Allele origin: germline. Inheritance: Autosomal recessive inheritance. Affected: yes. Observed: 1 homozygote.
Comment: The missense variant NM_138793.4(CANT1):c.836G>A (p.Gly279Asp) has not been reported previously as a pathogenic variant nor as a benign variant, to our knowledge. Although the variant is present at 0.0000% in gnomAD All, it has the flag "AC0" and may not represent the true population frequency. The p.Gly279Asp variant is novel (not in any individuals) in 1kG All. There is a moderate physicochemical difference between glycine and aspartic acid. The gene CANT1 contains 8 pathogenic missense variants, indicating that missense variants are a common mechanism of disease in this gene. The p.Gly279Asp missense variant is predicted to be damaging by both SIFT and PolyPhen2. The glycine residue at codon 279 of CANT1 is conserved in all mammalian species. The nucleotide c.836 in CANT1 is predicted conserved by GERP++ and PhyloP across 100 vertebrates. Since the allele depth is less for the sample, sanger sequencing was performed to confirm the variant identifed in CVS sample. Based on the above evidence this variant has been classified aslikely pathogenic according to the ACMG guidelines.